The following is an entry in ClinVar:

ClinVar aggregate classification (germline): Benign (1 of 4 stars; one submission).

Allele frequency attached by ClinVar (database versions not stated): gnomAD exomes 0.00058; gnomAD 0.00442; TOPMed 0.00487; 1000 Genomes Project 0.00559; 1000 Genomes Project 30x 0.00609.
gnomAD v4.1: 825 of 398,454 alleles (0.21%); highest among the groups gnomAD compares: African/African-American, 1.5%; 8 homozygotes.

Submission:

CeGaT Center for Human Genetics Tuebingen
Classification: Benign. Last evaluated: 2026-06-01. Review status: criteria provided, single submitter. Criteria: CeGaT Center For Human Genetics Tuebingen Variant Classification Criteria Version 2. Collection method: clinical testing. Allele origin: germline. Affected: yes. Observed: 6 variant alleles.
Comment: KCNQ1OT1: BS1, BS2

NM_000218.3(KCNQ1):c.1393+28521A>T

Genes: KCNQ1 (potassium voltage-gated channel subfamily Q member 1; plus strand), KCNQ1OT1 (KCNQ1 opposite strand/antisense transcript 1; minus strand). Cytogenetic location: 11p15.5.
Variant type: single nucleotide variant.
Coding change: c.1393+28521A>T on transcript NM_000218.3 (MANE Select); 28521 bases into the intron after coding-DNA position 1393, A replaced by T.
Molecular consequence: intron variant.
Genome position (GRCh38, 1-based): chr11:2,617,375, A>T. VCF-style: chr11-2617375-A-T. GRCh37 (hg19) VCF-style: chr11-2638605-A-T.
Other names: c.1123+28521A>T (NM_001406837.1); c.1297+28521A>T (NM_001406836.1); c.853+28521A>T (NM_001406838.1); c.1012+28521A>T (NM_181798.2).
Identifiers: ClinVar variation 2582884 (VCV002582884.25), dbSNP rs147619994, ClinGen allele CA216360496.